The following is an entry in ClinVar:

ClinVar aggregate classification (germline): Uncertain significance (1 of 4 stars; one submission).

Allele frequency attached by ClinVar (database versions not stated): gnomAD exomes 0.00001; ExAC 0.00003; TOPMed 0.00004; gnomAD 0.00009.
gnomAD v4.1: 46 of 1,613,894 alleles (0.0029%); highest among the groups gnomAD compares: Admixed American, 0.022%; 1 homozygote.

Submission:

Labcorp Genetics (formerly Invitae), Labcorp
Classification: Uncertain significance. Last evaluated: 2024-01-17. Review status: criteria provided, single submitter. Criteria: Invitae Variant Classification Sherloc (09022015). Collection method: clinical testing. Allele origin: germline.
Comment: This sequence change replaces glutamic acid, which is acidic and polar, with glutamine, which is neutral and polar, at codon 86 of the DENND5A protein (p.Glu86Gln). This variant is present in population databases (rs767660814, gnomAD 0.02%). This variant has not been reported in the literature in individuals affected with DENND5A-related conditions. ClinVar contains an entry for this variant (Variation ID: 2055523). Advanced modeling of protein sequence and biophysical properties (such as structural, functional, and spatial information, amino acid conservation, physicochemical variation, residue mobility, and thermodynamic stability) performed at Invitae indicates that this missense variant is not expected to disrupt DENND5A protein function with a negative predictive value of 80%. In summary, the available evidence is currently insufficient to determine the role of this variant in disease. Therefore, it has been classified as a Variant of Uncertain Significance.

NM_015213.4(DENND5A):c.256G>C (p.Glu86Gln)

Gene: DENND5A (DENN domain containing 5A; minus strand). Cytogenetic location: 11p15.4.
Variant type: single nucleotide variant.
Coding change: c.256G>C on transcript NM_015213.4 (MANE Select); coding-DNA position 256, G replaced by C.
Protein change: p.Glu86Gln; replaces glutamic acid 86 with glutamine.
Molecular consequence: missense variant. On other transcripts: 5 prime UTR variant (1), non-coding transcript variant (1).
Genome position (GRCh38, 1-based): chr11:9,206,708, C>G on the plus strand (G>C on the coding strand, the complement: DENND5A is on the minus strand). VCF-style: chr11-9206708-C-G. GRCh37 (hg19) VCF-style: chr11-9228255-C-G.
Other names: c.256G>C, p.Glu86Gln (NM_001243254.2, NM_001348748.1); c.184G>C, p.Glu62Gln (NM_001348749.2); c.-33G>C (NM_001348750.2); short protein forms E62Q, E86Q.
Identifiers: ClinVar variation 2055523 (VCV002055523.2), dbSNP rs767660814, ClinGen allele CA5877860.